The following is an entry in ClinVar:

NM_001111125.3(IQSEC2):c.908T>G (p.Val303Gly)

Gene: IQSEC2 (IQ motif and Sec7 domain ArfGEF 2; minus strand). Cytogenetic location: Xp11.22.
Variant type: single nucleotide variant.
Coding change: c.908T>G on transcript NM_001111125.3 (MANE Select); coding-DNA position 908, T replaced by G.
Protein change: p.Val303Gly; replaces valine 303 with glycine.
Molecular consequence: missense variant.
Genome position (GRCh38, 1-based): chrX:53,255,891, A>C on the plus strand (T>G on the coding strand, the complement: IQSEC2 is on the minus strand). VCF-style: chrX-53255891-A-C. GRCh37 (hg19) VCF-style: chrX-53285073-A-C.
Other names: c.908T>G, p.Val303Gly (NM_001410736.1); c.293T>G, p.Val98Gly (NM_015075.2); short protein forms V303G, V98G.
Identifiers: ClinVar variation 2574323 (VCV002574323.1), dbSNP rs2519851258, ClinGen allele CA413171508.

ClinVar aggregate classification (germline): Uncertain significance (1 of 4 stars; one submission).

Submission:

GeneDx
Classification: Uncertain significance. Last evaluated: 2023-01-24. Review status: criteria provided, single submitter. Criteria: GeneDx Variant Classification Process June 2021. Collection method: clinical testing. Allele origin: germline. Affected: yes.
Comment: Not observed at significant frequency in large population cohorts (gnomAD); In silico analysis supports that this missense variant does not alter protein structure/function; Has not been previously published as pathogenic or benign to our knowledge